The following is an entry in ClinVar:

NM_003919.3(SGCE):c.50G>T (p.Gly17Val)

Gene: SGCE (sarcoglycan epsilon; minus strand). Cytogenetic location: 7q21.3.
Variant type: single nucleotide variant.
Coding change: c.50G>T on transcript NM_003919.3 (MANE Select); coding-DNA position 50, G replaced by T.
Protein change: p.Gly17Val; replaces glycine 17 with valine.
Molecular consequence: missense variant. On other transcripts: 5 prime UTR variant (4).
Genome position (GRCh38, 1-based): chr7:94,656,049, C>A on the plus strand (G>T on the coding strand, the complement: SGCE is on the minus strand). VCF-style: chr7-94656049-C-A. GRCh37 (hg19) VCF-style: chr7-94285361-C-A.
Other names: c.50G>T, p.Gly17Val (NM_001099400.2, NM_001099401.2, NM_001301139.2 and 4 more transcripts); c.-208G>T (NM_001346719.2); c.-286G>T (NM_001346720.2, NM_001362808.2); c.-214G>T (NM_001362807.2); short protein forms G17V.
Identifiers: ClinVar variation 4985346 (VCV004985346.1).
Genomic context (GRCh38, chr7:94,656,049, plus strand): 5'-CCTGTCAGCAAGAATGTGCCAGTGGTCGCGGGGCTCATCCTGCGTGTCCCCCGACCCTGT[C>A]CCGTCCAAGCACAGGGGTCTCCCAGCTCCCACCACCGGGGCAATTGCATTCTTGGCCTGG-3'
Protein context (NP_003910.1, residues 7-27): WELGDPCAWT[Gly17Val]QGRGTRRMSP

ClinVar aggregate classification (germline): Uncertain significance (1 of 4 stars; one submission).

Conditions:
SGCE-related disorder. Also called: SGCE-related condition.

gnomAD v4.1: 2 of 1,613,518 alleles (0.00012%); highest among the groups gnomAD compares: African/African-American, 0.0013%; no homozygotes.

Submission:

PreventionGenetics, part of Exact Sciences
Classification: Uncertain significance for SGCE-related condition. Last evaluated: 2025-11-06. Review status: criteria provided, single submitter. Criteria: ACMG Guidelines, 2015. Collection method: clinical testing. Allele origin: germline.
Comment: The SGCE c.50G>T variant is predicted to result in the amino acid substitution p.Gly17Val. To our knowledge, this variant has not been reported in the literature. This variant is reported in 0.0062% of alleles in individuals of African descent in gnomAD. At this time, the clinical significance of this variant is uncertain due to the absence of conclusive functional and genetic evidence.